The following is an entry in ClinVar:

ClinVar aggregate classification (germline): Conflicting classifications of pathogenicity. Review status: criteria provided, conflicting classifications (1 of 4 stars). 5 submissions from 4 submitters: Uncertain significance (3); Likely benign (1). 1 of the submissions does not count toward it. Last evaluated 2026-07-14.

Conditions:
Autosomal recessive nonsyndromic hearing loss 12. Also called: DEAFNESS, AUTOSOMAL RECESSIVE 12. Identifiers: Orphanet 90636, MedGen C1832394, MONDO:0011067, OMIM 601386.
CDH23-related disorder. Also called: CDH23-related condition; CDH23-related disorders.
Usher syndrome type 1 (USH1). Also called: RETINITIS PIGMENTOSA AND CONGENITAL DEAFNESS. Identifiers: Orphanet 231169, Orphanet 886, MedGen C1568247, MONDO:0010168, OMIM 276900.
Usher syndrome type 1D (USH1D). Also called: USHER SYNDROME, TYPE ID. Identifiers: Orphanet 231169, Orphanet 886, MedGen C1832845, MONDO:0010984, OMIM 601067.

Allele frequency attached by ClinVar (database versions not stated): gnomAD 0.00002 and 0.00003; TOPMed 0.00003; ExAC 0.00004; gnomAD exomes 0.00005 and 0.00010.
gnomAD v4.1: 140 of 1,601,284 alleles (0.0087%); highest among the groups gnomAD compares: Non-Finnish European, 0.012%; no homozygotes.

Submissions (5):

PreventionGenetics, part of Exact Sciences
Classification: Likely benign for CDH23-related condition. Last evaluated: 2026-07-14. Review status: criteria provided, single submitter. Criteria: ACMG Guidelines, 2015. Collection method: clinical testing. Allele origin: germline.
Comment: This variant is classified as likely benign based on ACMG/AMP sequence variant interpretation guidelines (Richards et al. 2015 PMID: 25741868, with internal and published modifications).

Labcorp Genetics (formerly Invitae), Labcorp
Classification: Uncertain significance. Last evaluated: 2022-08-01. Review status: criteria provided, single submitter. Criteria: Invitae Variant Classification Sherloc (09022015). Collection method: clinical testing. Allele origin: germline.
Comment: This sequence change falls in intron 17 of the CDH23 gene. It does not directly change the encoded amino acid sequence of the CDH23 protein. It affects a nucleotide within the consensus splice site. This variant is present in population databases (rs745522676, gnomAD 0.01%). This variant has not been reported in the literature in individuals affected with CDH23-related conditions. ClinVar contains an entry for this variant (Variation ID: 300410). Variants that disrupt the consensus splice site are a relatively common cause of aberrant splicing (PMID: 17576681, 9536098). Algorithms developed to predict the effect of sequence changes on RNA splicing suggest that this variant is not likely to affect RNA splicing. In summary, the available evidence is currently insufficient to determine the role of this variant in disease. Therefore, it has been classified as a Variant of Uncertain Significance.

Illumina Laboratory Services, Illumina
Classification: Uncertain significance for Autosomal recessive nonsyndromic hearing loss 12. Last evaluated: 2018-01-13. Review status: criteria provided, single submitter. Criteria: ICSL Variant Classification Criteria 13 December 2019. Collection method: clinical testing. Allele origin: germline.

Illumina Laboratory Services, Illumina
Classification: Uncertain significance for Usher syndrome type 1D. Last evaluated: 2018-01-13. Review status: criteria provided, single submitter. Criteria: ICSL Variant Classification Criteria 13 December 2019. Collection method: clinical testing. Allele origin: germline.

Natera, Inc.
Classification: Uncertain significance for Usher syndrome type 1. Last evaluated: 2019-10-28. Review status: no assertion criteria provided. Collection method: clinical testing. Allele origin: germline. Not counted in ClinVar's aggregate classification.

Literature cited by the submitters: PubMed 17576681 (cited by Labcorp Genetics (formerly Invitae), Labcorp); PubMed 9536098 (cited by Labcorp Genetics (formerly Invitae), Labcorp).

NM_022124.6(CDH23):c.1858+6T>C

Gene: CDH23 (cadherin related 23; plus strand). Cytogenetic location: 10q22.1.
Variant type: single nucleotide variant.
Coding change: c.1858+6T>C on transcript NM_022124.6 (MANE Select); 6 bases into the intron after coding-DNA position 1858, T replaced by C.
Molecular consequence: intron variant.
Genome position (GRCh38, 1-based): chr10:71,679,498, T>C. VCF-style: chr10-71679498-T-C. GRCh37 (hg19) VCF-style: chr10-73439255-T-C.
Other names: c.1858+6T>C (NM_001171930.2, NM_001171931.2).
Identifiers: ClinVar variation 300410 (VCV000300410.11), dbSNP rs745522676, ClinGen allele CA5543980.